The following is an entry in ClinVar:

NC_000002.12:g.(?_216414695)_(216416317_?)del

Gene: SMARCAL1 (SNF2 related chromatin remodeling annealing helicase 1; plus strand). Cytogenetic location: 2q35.
Variant type: Deletion.
Identifiers: ClinVar variation 652386 (VCV000652386.2).

ClinVar aggregate classification (germline): Pathogenic (1 of 4 stars; one submission).

Conditions:
Schimke immuno-osseous dysplasia (SIOD). Also called: Schimke Immunoosseous Dysplasia. Identifiers: Orphanet 1830, MedGen C0877024, MONDO:0009458, OMIM 242900.

Submission:

Labcorp Genetics (formerly Invitae), Labcorp
Classification: Pathogenic for Schimke immunoosseous dysplasia. Last evaluated: 2019-07-30. Review status: criteria provided, single submitter. Criteria: Invitae Variant Classification Sherloc (09022015). Collection method: clinical testing. Allele origin: germline.
Comment: This variant is a gross deletion of the genomic region encompassing exons 3-4 of the SMARCAL1 gene, which includes the initiator codon. The 5' end of this event is unknown as it extends beyond the assayed region for this gene and therefore may encompass additional genes. The 3' boundary is likely confined to intron 4 of the SMARCAL1 gene. This is expected to result in an absent or disrupted protein product. This variant has not been reported in the literature in individuals with SMARCAL1-related disease. Loss-of-function variants in SMARCAL1 are known to be pathogenic (PMID: 11799392, 20301550). For these reasons, this variant has been classified as Pathogenic.